The following is an entry in ClinVar:

NM_032608.7(MYO18B):c.2911G>A (p.Ala971Thr)

Gene: MYO18B (myosin XVIIIB; plus strand). Cytogenetic location: 22q12.1.
Variant type: single nucleotide variant.
Coding change: c.2911G>A on transcript NM_032608.7 (MANE Select); coding-DNA position 2911, G replaced by A.
Protein change: p.Ala971Thr; replaces alanine 971 with threonine.
Molecular consequence: missense variant.
Genome position (GRCh38, 1-based): chr22:25,828,900, G>A. VCF-style: chr22-25828900-G-A. GRCh37 (hg19) VCF-style: chr22-26224867-G-A.
Other names: c.2911G>A, p.Ala971Thr (NM_001318245.2); short protein forms A971T.
Identifiers: ClinVar variation 1422564 (VCV001422564.3), dbSNP rs780465835, ClinGen allele CA10160367.

ClinVar aggregate classification (germline): Uncertain significance (1 of 4 stars; one submission).

Allele frequency attached by ClinVar (database versions not stated): gnomAD exomes below 0.00001; ExAC 0.00001; gnomAD 0.00001.
gnomAD v4.1: 6 of 1,613,842 alleles (0.00037%); highest among the groups gnomAD compares: Admixed American, 0.0017%; no homozygotes.

Submission:

Labcorp Genetics (formerly Invitae), Labcorp
Classification: Uncertain significance. Last evaluated: 2022-06-20. Review status: criteria provided, single submitter. Criteria: Invitae Variant Classification Sherloc (09022015). Collection method: clinical testing. Allele origin: germline.
Comment: This sequence change replaces alanine with threonine at codon 971 of the MYO18B protein (p.Ala971Thr). The alanine residue is weakly conserved and there is a small physicochemical difference between alanine and threonine. This variant is present in population databases (rs780465835, gnomAD 0.0009%). This variant has not been reported in the literature in individuals affected with MYO18B-related conditions. Algorithms developed to predict the effect of missense changes on protein structure and function output the following: SIFT: "Not Available"; PolyPhen-2: "Benign"; Align-GVGD: "Not Available". The threonine amino acid residue is found in multiple mammalian species, which suggests that this missense change does not adversely affect protein function. In summary, the available evidence is currently insufficient to determine the role of this variant in disease. Therefore, it has been classified as a Variant of Uncertain Significance.